The following is an entry in ClinVar:

ClinVar aggregate classification (germline): Likely pathogenic. Review status: criteria provided, single submitter (1 of 4 stars). 2 submissions from 2 submitters: Likely pathogenic (1). 1 of the submissions does not count toward it. Last evaluated 2023-03-09.

Conditions:
OTOG-related disorder. Also called: OTOG-related condition.
Autosomal recessive nonsyndromic hearing loss 18B. Also called: Deafness, autosomal recessive 18b. Identifiers: Orphanet 90636, MedGen C3554163, MONDO:0013985, OMIM 614945.

Submissions (2):

Women's Health and Genetics/Laboratory Corporation of America, LabCorp
Classification: Likely pathogenic for Autosomal recessive nonsyndromic hearing loss 18B. Last evaluated: 2023-03-09. Review status: criteria provided, single submitter. Criteria: LabCorp Variant Classification Summary - May 2015. Collection method: clinical testing. Allele origin: germline.
Comment: Variant summary: OTOG c.5962delC (p.Gln1988LysfsX43) results in a premature termination codon, predicted to cause a truncation of the encoded protein or absence of the protein due to nonsense mediated decay, which are commonly known mechanisms for disease. The variant was absent in 148636 control chromosomes. To our knowledge, no occurrence of c.5962delC in individuals affected with Deafness, Autosomal Recessive 18b and no experimental evidence demonstrating its impact on protein function have been reported. No clinical diagnostic laboratories have submitted clinical-significance assessments for this variant to ClinVar after 2014. Based on the evidence outlined above, the variant was classified as likely pathogenic.

PreventionGenetics, part of Exact Sciences
Classification: Likely pathogenic for OTOG-related condition. Last evaluated: 2024-03-25. Review status: no assertion criteria provided. Collection method: clinical testing. Allele origin: germline. Not counted in ClinVar's aggregate classification.
Comment: The OTOG c.5962delC variant is predicted to result in a frameshift and premature protein termination (p.Gln1988Lysfs*43). To our knowledge, this variant has not been reported in the literature or in a large population database, indicating this variant is rare. Frameshift variants in OTOG are expected to be pathogenic. This variant is interpreted as likely pathogenic.

NM_001292063.2(OTOG):c.5926del (p.Gln1976fs)

Gene: OTOG (otogelin; plus strand). Cytogenetic location: 11p15.1.
Variant type: Deletion.
Coding change: c.5926del on transcript NM_001292063.2 (MANE Select); coding-DNA position 5926, one base deleted (C; older notation c.5926delC).
Protein change: p.Gln1976fs; shifts the reading frame from glutamine 1976.
Molecular consequence: frameshift variant.
Genome position (GRCh38, 1-based): chr11:17,611,226, C deleted; the last of 6 consecutive C bases (chr11:17,611,221-17,611,226); deleting any one gives the same sequence. VCF-style (leftmost placement, unchanged base first): chr11-17611220-GC-G. GRCh37 (hg19) VCF-style: chr11-17632767-GC-G.
Other names: c.5962del, p.Gln1988fs (NM_001277269.2); short protein forms Q1976fs, Q1988fs.
Identifiers: ClinVar variation 2501117 (VCV002501117.2), dbSNP rs34547529, ClinGen allele CA2574770839.